The following is an entry in ClinVar:

NM_002693.3(POLG):c.823C>T (p.Arg275Ter)

Gene: POLG (DNA polymerase gamma, catalytic subunit; minus strand). Cytogenetic location: 15q26.1.
Variant type: single nucleotide variant.
Coding change: c.823C>T on transcript NM_002693.3 (MANE Select); coding-DNA position 823, C replaced by T.
Protein change: p.Arg275Ter; replaces arginine 275 with a stop codon.
Molecular consequence: nonsense.
Genome position (GRCh38, 1-based): chr15:89,330,113, G>A on the plus strand (C>T on the coding strand, the complement: POLG is on the minus strand). VCF-style: chr15-89330113-G-A. GRCh37 (hg19) VCF-style: chr15-89873344-G-A.
Other names: c.823C>T, p.Arg275Ter (NM_001126131.2); short protein forms R275*.
Identifiers: ClinVar variation 372472 (VCV000372472.11), dbSNP rs1057517803, ClinGen allele CA16042905.

ClinVar aggregate classification (germline): Pathogenic. Review status: criteria provided, multiple submitters, no conflicts (2 of 4 stars). 5 submissions from 5 submitters: Pathogenic (5). Last evaluated 2025-08-29.

Conditions:
POLG-related disorder. Also called: POLG-Related Spectrum Disorders; POLG-related condition; POLG-Related Disorders. Identifiers: MedGen C4763519.
Mitochondrial DNA depletion syndrome. Also called: mitochondrial DNA depletion. Identifiers: Orphanet 35698, MedGen C0342782, MONDO:0018158.
Progressive sclerosing poliodystrophy (MTDPS4A). Also called: Mitochondrial DNA depletion syndrome 4A (Alpers type); Alpers Syndrome; NEURONAL DEGENERATION OF CHILDHOOD WITH LIVER DISEASE, PROGRESSIVE; Mitochondrial DNA Depletion Syndrome 4A; Alpers-Huttenlocher Syndrome (AHS); ALPERS PROGRESSIVE INFANTILE POLIODYSTROPHY. Identifiers: Orphanet 726, MedGen C0205710, MONDO:0008758, OMIM 203700.

Allele frequency attached by ClinVar (database versions not stated): gnomAD 0.00001.
gnomAD v4.1: 5 of 1,613,966 alleles (0.00031%); highest among the groups gnomAD compares: African/African-American, 0.0013%; no homozygotes.

Submissions (5):

Labcorp Genetics (formerly Invitae), Labcorp
Classification: Pathogenic for Progressive sclerosing poliodystrophy. Last evaluated: 2025-08-29. Review status: criteria provided, single submitter. Criteria: Invitae Variant Classification Sherloc (09022015). Collection method: clinical testing. Allele origin: germline.
Comment: This sequence change creates a premature translational stop signal (p.Arg275*) in the POLG gene. It is expected to result in an absent or disrupted protein product. Loss-of-function variants in POLG are known to be pathogenic (PMID: 18546365). The frequency data for this variant in the population databases is considered unreliable, as metrics indicate poor data quality at this position in the gnomAD database. This premature translational stop signal has been observed in individual(s) with autosomal recessive POLG-related conditions (PMID: 19578034). ClinVar contains an entry for this variant (Variation ID: 372472). For these reasons, this variant has been classified as Pathogenic.

Women's Health and Genetics/Laboratory Corporation of America, LabCorp
Classification: Pathogenic for Mitochondrial DNA depletion syndrome. Last evaluated: 2025-06-23. Review status: criteria provided, single submitter. Criteria: LabCorp Variant Classification Summary - May 2015. Collection method: clinical testing. Allele origin: germline.
Comment: Variant summary: POLG c.823C>T (p.Arg275X) results in a premature termination codon, predicted to cause a truncation of the encoded protein or absence of the protein due to nonsense mediated decay, which are commonly known mechanisms for disease. The variant was absent in 251238 control chromosomes (gnomAD). c.823C>T has been observed in at least one individual affected with chronic progressive external ophthalmoplegia and mental retardation (Blok_2009). To our knowledge, no experimental evidence demonstrating an impact on protein function has been reported. The following publication have been ascertained in the context of this evaluation (PMID: 19578034). ClinVar contains an entry for this variant (Variation ID: 372472). Based on the evidence outlined above, the variant was classified as pathogenic.

Myriad Genetics, Inc.
Classification: Pathogenic for POLG-related disorder. Last evaluated: 2024-06-18. Review status: criteria provided, single submitter. Criteria: Myriad Autosomal Dominant, Autosomal Recessive and X-Linked Classification Criteria (2023). Collection method: clinical testing. Allele origin: unknown.
Comment: NM_002693.2(POLG):c.823C>T(R275*) is expected to be pathogenic in the context of POLG-related disorders. This variant is predicted to lead to an abnormal or absent protein product due to the creation of a premature termination codon in POLG, a gene where loss-of-function variants are known to be pathogenic. Please note: this variant was assessed in the context of healthy population screening.

Baylor Genetics
Classification: Pathogenic for Progressive sclerosing poliodystrophy. Last evaluated: 2022-09-20. Review status: criteria provided, single submitter. Criteria: ACMG Guidelines, 2015. Collection method: clinical testing. Allele origin: unknown.

GeneDx
Classification: Pathogenic. Last evaluated: 2018-02-14. Review status: criteria provided, single submitter. Criteria: GeneDx Variant Classification (06012015). Collection method: clinical testing. Allele origin: germline. Affected: yes.
Comment: The R275X nonsense variant in the POLG gene has been reported previously in an individual with chronic progressive external ophthalmoplegia (CPEO) and intellectual disability, who also harbored a second POLG pathogenic variant on the opposite allele (Blok et al., 2009). The proband's sister and two daughters carried only the R275X variant and had less severe symptoms including CPEO, fatigue, and fatigue and muscle pain, respectively (Blok et al., 2009). The authors concluded that R275X is most likely a recessive pathogenic variant, however, they could not rule out that heterozygous carriers of the R275X variant may manifest symptoms. This variant is predicted to cause loss of normal protein function either through protein truncation or nonsense-mediated mRNA decay. Therefore, we interpret R275X to be a pathogenic variant.

Literature cited by the submitters: PubMed 18546365 (cited by Labcorp Genetics (formerly Invitae), Labcorp); PubMed 19578034 (cited by Labcorp Genetics (formerly Invitae), Labcorp and Women's Health and Genetics/Laboratory Corporation of America, LabCorp).